The following is an entry in ClinVar:

ClinVar aggregate classification (germline): Uncertain significance (1 of 4 stars; one submission).

Conditions:
POLD1-related polyposis and colorectal cancer syndrome (CRCS10). Also called: Colorectal cancer 10; Colorectal cancer, susceptibility to, 10; COLORECTAL CANCER, SUSCEPTIBILITY TO, ON CHROMOSOME 19q. Identifiers: Orphanet 220460, MedGen C2675481, MONDO:0012953, OMIM 612591.

gnomAD v4.1: 6 of 1,560,684 alleles (0.00038%); highest among the groups gnomAD compares: Non-Finnish European, 0.00052%; no homozygotes.

Submission:

Labcorp Genetics (formerly Invitae), Labcorp
Classification: Uncertain significance for POLD1-related polyposis and colorectal cancer syndrome. Last evaluated: 2023-12-01. Review status: criteria provided, single submitter. Criteria: Invitae Variant Classification Sherloc (09022015). Collection method: clinical testing. Allele origin: germline.
Comment: This sequence change replaces leucine, which is neutral and non-polar, with proline, which is neutral and non-polar, at codon 357 of the POLD1 protein (p.Leu357Pro). This variant is not present in population databases (gnomAD no frequency). This variant has not been reported in the literature in individuals affected with POLD1-related conditions. Advanced modeling of protein sequence and biophysical properties (such as structural, functional, and spatial information, amino acid conservation, physicochemical variation, residue mobility, and thermodynamic stability) performed at Invitae indicates that this missense variant is expected to disrupt POLD1 protein function with a positive predictive value of 80%. In summary, the available evidence is currently insufficient to determine the role of this variant in disease. Therefore, it has been classified as a Variant of Uncertain Significance.

NM_002691.4(POLD1):c.1070T>C (p.Leu357Pro)

Gene: POLD1 (DNA polymerase delta 1, catalytic subunit; plus strand). Cytogenetic location: 19q13.33.
Variant type: single nucleotide variant.
Coding change: c.1070T>C on transcript NM_002691.4 (MANE Select); coding-DNA position 1070, T replaced by C.
Protein change: p.Leu357Pro; replaces leucine 357 with proline.
Molecular consequence: missense variant. On other transcripts: non-coding transcript variant (1).
Genome position (GRCh38, 1-based): chr19:50,403,152, T>C. VCF-style: chr19-50403152-T-C. GRCh37 (hg19) VCF-style: chr19-50906409-T-C.
Other names: c.1070T>C, p.Leu357Pro (NM_001256849.1, NM_001308632.1); short protein forms L357P.
Identifiers: ClinVar variation 2700253 (VCV002700253.3), dbSNP rs143340270, ClinGen allele CA406978254.